The following is an entry in ClinVar:

ClinVar aggregate classification (germline): Pathogenic (1 of 4 stars; one submission).

Conditions:
Rubinstein-Taybi syndrome (RSTS). Identifiers: Orphanet 783, MedGen C0035934, MONDO:0019188.

Submission:

Labcorp Genetics (formerly Invitae), Labcorp
Classification: Pathogenic for Rubinstein-Taybi syndrome. Last evaluated: 2020-03-10. Review status: criteria provided, single submitter. Criteria: Invitae Variant Classification Sherloc (09022015). Collection method: clinical testing. Allele origin: germline.
Comment: For these reasons, this variant has been classified as Pathogenic. This variant disrupts the C-terminus of the CREBBP protein. Other variant(s) that disrupt this region (p.Arg2004*) have been determined to be pathogenic (PMID: 15706485, 21932317, Invitae). This suggests that variants that disrupt this region of the protein are likely to be causative of disease. This variant has been observed in individual(s) affected with clinical features of Rubinstein-Taybi syndrome (Invitae). This variant is a gross deletion of the genomic region encompassing exons 3-31 of the CREBBP gene. The 5' boundary is likely confined to intron 2. The 3' end of this event is unknown as it extends through the termination codon beyond the assayed region for this gene and may encompass additional genes. While this deletion is not anticipated to result in nonsense mediated decay, it is expected to create a truncated protein product or disrupt mRNA translation.

Literature cited by the submitters: PubMed 15706485; PubMed 21932317.

NC_000016.10:g.(?_3727698)_(3810799_?)del

Gene: CREBBP (CREB binding lysine acetyltransferase; minus strand). Cytogenetic location: 16p13.3.
Variant type: Deletion.
Identifiers: ClinVar variation 832589 (VCV000832589.7).